The following is an entry in ClinVar:

NM_032119.4(ADGRV1):c.10475C>T (p.Ser3492Phe)

Gene: ADGRV1 (adhesion G protein-coupled receptor V1; plus strand). Cytogenetic location: 5q14.3.
Variant type: single nucleotide variant.
Coding change: c.10475C>T on transcript NM_032119.4 (MANE Select); coding-DNA position 10475, C replaced by T.
Protein change: p.Ser3492Phe; replaces serine 3492 with phenylalanine.
Molecular consequence: missense variant. On other transcripts: non-coding transcript variant (1).
Genome position (GRCh38, 1-based): chr5:90,729,690, C>T. VCF-style: chr5-90729690-C-T. GRCh37 (hg19) VCF-style: chr5-90025507-C-T.
Other names: short protein forms S3492F.
Identifiers: ClinVar variation 962936 (VCV000962936.13), dbSNP rs375619656, ClinGen allele CA3340755.
Genomic context (GRCh38, chr5:90,729,690, plus strand): 5'-TCATTATTGCAGGAGATCAGAATTCAATTGATATTTTCATCTGGGAGATGGGACAGTCTT[C>T]CTTCAGGTATTTTCAGTCTGTAGATTTTGCTGCTGTTAACAGAATCCACTCCTTCACACC-3'
Protein context (NP_115495.3, residues 3482-3502): DIFIWEMGQS[Ser3492Phe]FRYFQSVDFA

ClinVar aggregate classification (germline): Conflicting classifications of pathogenicity. Review status: criteria provided, conflicting classifications (1 of 4 stars). 3 submissions from 3 submitters: Uncertain significance (2); Likely benign (1). Last evaluated 2026-08-23.

Conditions:
Inborn genetic diseases. Identifiers: MedGen C0950123, MeSH D030342.

Allele frequency attached by ClinVar (database versions not stated): gnomAD 0.00005; gnomAD exomes 0.00002 and 0.00005; ExAC 0.00002; TOPMed 0.00004; ESP Exome Variant Server 0.00008.
gnomAD v4.1: 72 of 1,606,232 alleles (0.0045%); highest among the groups gnomAD compares: Non-Finnish European, 0.0061%; no homozygotes.

Submissions (3):

Ambry Genetics
Classification: Uncertain significance for Inborn genetic diseases. Last evaluated: 2026-08-23. Review status: criteria provided, single submitter. Criteria: Ambry Variant Classification Scheme 2023. Collection method: clinical testing. Allele origin: germline.

Labcorp Genetics (formerly Invitae), Labcorp
Classification: Likely benign. Last evaluated: 2024-10-30. Review status: criteria provided, single submitter. Criteria: Invitae Variant Classification Sherloc (09022015). Collection method: clinical testing. Allele origin: germline.

GeneDx
Classification: Uncertain significance. Last evaluated: 2021-09-20. Review status: criteria provided, single submitter. Criteria: GeneDx Variant Classification Process June 2021. Collection method: clinical testing. Allele origin: germline. Affected: yes.
Comment: Not observed at a significant frequency in large population cohorts (Lek et al., 2016); In silico analysis supports that this missense variant does not alter protein structure/function; Has not been previously published as pathogenic or benign to our knowledge